The following is an entry in ClinVar:

ClinVar aggregate classification (germline): Conflicting classifications of pathogenicity. Review status: criteria provided, conflicting classifications (1 of 4 stars). 5 submissions from 5 submitters: Likely pathogenic (1); Uncertain significance (3). 1 of the submissions does not count toward it. Last evaluated 2024-09-02.

Conditions:
Hypertrophic cardiomyopathy 4. Also called: Familial hypertrophic cardiomyopathy 4. Identifiers: MedGen C1861862, MONDO:0007268, OMIM 115197.
Hypertrophic cardiomyopathy. Also called: HYPERTROPHIC MYOCARDIOPATHY. Identifiers: Orphanet 217569, MedGen C0007194, MeSH D002312, MONDO:0005045, HP:0001639.
MYBPC3-related disorder. Also called: MYBPC3-related disorders; MYBPC3-related condition; MYBPC3-related disease.

Submissions (5):

Labcorp Genetics (formerly Invitae), Labcorp
Classification: Uncertain significance for Hypertrophic cardiomyopathy. Last evaluated: 2024-09-02. Review status: criteria provided, single submitter. Criteria: Invitae Variant Classification Sherloc (09022015). Collection method: clinical testing. Allele origin: germline.
Comment: This sequence change falls in intron 22 of the MYBPC3 gene. It does not directly change the encoded amino acid sequence of the MYBPC3 protein. It affects a nucleotide within the consensus splice site. This variant is not present in population databases (gnomAD no frequency). This variant has been observed in individuals with hypertrophic cardiomyopathy (PMID: 23711808, 25132132, 28679633, 35508642). Variants that disrupt the consensus splice site are a relatively common cause of aberrant splicing (PMID: 17576681, 9536098). Algorithms developed to predict the effect of sequence changes on RNA splicing suggest that this variant may disrupt the consensus splice site. In summary, the available evidence is currently insufficient to determine the role of this variant in disease. Therefore, it has been classified as a Variant of Uncertain Significance.

KardioGenetik, Herz- und Diabeteszentrum NRW
Classification: Uncertain significance for Hypertrophic cardiomyopathy 4. Last evaluated: 2024-06-05. Review status: criteria provided, single submitter. Criteria: ACMG Guidelines, 2015. Collection method: clinical testing. Allele origin: unknown. Affected: yes. Observed: 1 variant allele.
Comment: PP3_supp, PM2_supp

Blueprint Genetics
Classification: Likely pathogenic for MYBPC3-related disorders. Last evaluated: 2022-03-21. Review status: criteria provided, single submitter. Criteria: ACMG Guidelines, 2015. Collection method: clinical testing. Allele origin: germline. Affected: yes. Observed: 1 variant allele.

Juno Genomics, Hangzhou Juno Genomics, Inc
Classification: Uncertain significance for Hypertrophic cardiomyopathy 4. Review status: criteria provided, single submitter. Criteria: ACMG Guidelines, 2015. Collection method: clinical testing. Allele origin: germline. Affected: yes.
Comment: Absent from controls (or at extremely low frequency if recessive) in Genome Aggregation Database, Exome Sequencing Project, 1000 Genomes Project, or Exome Aggregation Consortium.;Multiple lines of computational evidence support a deleterious effect on the gene or gene product (conservation, evolutionary, splicing impact, etc).;The prevalence of the variant in affected individuals is significantly increased compared to the prevalence in controls.

PreventionGenetics, part of Exact Sciences
Classification: Likely pathogenic for MYBPC3-related condition. Last evaluated: 2024-09-04. Review status: no assertion criteria provided. Collection method: clinical testing. Allele origin: germline. Not counted in ClinVar's aggregate classification.
Comment: The MYBPC3 c.2149-3C>G variant is predicted to interfere with splicing. This variant has been reported in at least two unrelated individuals with hypertrophic cardiomyopathy (listed as c.2204-3C>G, Liu et al. 2013. PubMed ID: 23711808; Table S1, Wang et al. 2014. PubMed ID: 25132132; Torrado et al. 2022. PubMed ID: 35508642). This variant has not been reported in a large population database, indicating it is rare. An in vitro experimental study suggests this variant leads to aberrant splicing (Table S6, Ito et al. 2017. PubMed ID: 28679633; Table S4, Patel et al. 2021. PubMed ID: 34461741). This variant is interpreted as likely pathogenic.

Literature cited by the submitters: PubMed 23711808 (cited by Labcorp Genetics (formerly Invitae), Labcorp); PubMed 25132132 (cited by Labcorp Genetics (formerly Invitae), Labcorp); PubMed 28679633 (cited by Labcorp Genetics (formerly Invitae), Labcorp); PubMed 35508642 (cited by Labcorp Genetics (formerly Invitae), Labcorp); PubMed 17576681 (cited by Labcorp Genetics (formerly Invitae), Labcorp); PubMed 9536098 (cited by Labcorp Genetics (formerly Invitae), Labcorp).

NM_000256.3(MYBPC3):c.2149-3C>G

Gene: MYBPC3 (myosin binding protein C3; minus strand). Cytogenetic location: 11p11.2.
Variant type: single nucleotide variant.
Coding change: c.2149-3C>G on transcript NM_000256.3 (MANE Select); 3 bases into the intron before coding-DNA position 2149, C replaced by G.
Molecular consequence: intron variant.
Genome position (GRCh38, 1-based): chr11:47,338,682, G>C on the plus strand (C>G on the coding strand, the complement: MYBPC3 is on the minus strand). VCF-style: chr11-47338682-G-C. GRCh37 (hg19) VCF-style: chr11-47360233-G-C.
Identifiers: ClinVar variation 3258073 (VCV003258073.7).